The following is an entry in ClinVar:

ClinVar aggregate classification (germline): Pathogenic. Review status: criteria provided, multiple submitters, no conflicts (2 of 4 stars). 2 submissions from 2 submitters: Pathogenic (2). Last evaluated 2023-09-18.

Conditions:
Lynch syndrome 4 (LYNCH4). Also called: Colorectal cancer, hereditary nonpolyposis, type 4; Hereditary non-polyposis colorectal cancer, type 4. Identifiers: Orphanet 144, MedGen C1838333, MONDO:0013699, OMIM 614337. Disease mechanism: loss of function.
Hereditary cancer-predisposing syndrome. Also called: Hereditary Cancer Syndrome; Neoplastic Syndromes, Hereditary; Tumor predisposition; Hereditary neoplastic syndrome. Identifiers: Orphanet 140162, MedGen C0027672, MeSH D009386, MONDO:0015356.

Submissions (2):

Myriad Genetics, Inc.
Classification: Pathogenic for Lynch syndrome 4. Last evaluated: 2023-09-18. Review status: criteria provided, single submitter. Criteria: Myriad Autosomal Dominant, Autosomal Recessive and X-Linked Classification Criteria (2023). Collection method: clinical testing. Allele origin: unknown.
Comment: This variant is considered pathogenic. This variant creates a termination codon and is predicted to result in premature protein truncation.

Ambry Genetics
Classification: Pathogenic for Hereditary cancer-predisposing syndrome. Last evaluated: 2023-02-13. Review status: criteria provided, single submitter. Criteria: Ambry Variant Classification Scheme 2023. Collection method: clinical testing. Allele origin: germline.
Comment: The p.S128* pathogenic mutation (also known as c.383C>A), located in coding exon 5 of the PMS2 gene, results from a C to A substitution at nucleotide position 383. This changes the amino acid from a serine to a stop codon within coding exon 5. This variant is considered to be rare based on population cohorts in the Genome Aggregation Database (gnomAD). This alteration is expected to result in loss of function by premature protein truncation or nonsense-mediated mRNA decay. As such, this alteration is interpreted as a disease-causing mutation.

NM_000535.7(PMS2):c.383C>A (p.Ser128Ter)

Gene: PMS2 (PMS1 homolog 2, mismatch repair system component; minus strand). Cytogenetic location: 7p22.1.
Variant type: single nucleotide variant.
Coding change: c.383C>A on transcript NM_000535.7 (MANE Select); coding-DNA position 383, C replaced by A.
Protein change: p.Ser128Ter; replaces serine 128 with a stop codon.
Molecular consequence: nonsense. On other transcripts: 5 prime UTR variant (8), non-coding transcript variant (1).
Genome position (GRCh38, 1-based): chr7:6,002,607, G>T on the plus strand (C>A on the coding strand, the complement: PMS2 is on the minus strand). VCF-style: chr7-6002607-G-T. GRCh37 (hg19) VCF-style: chr7-6042238-G-T.
Other names: c.-23C>A (NM_001322003.2, NM_001322004.2, NM_001322005.2 and 3 more transcripts); c.383C>A, p.Ser128Ter (NM_001322006.2, NM_001322014.2); c.65C>A, p.Ser22Ter (NM_001322007.2, NM_001322008.2); c.-502C>A (NM_001322011.2, NM_001322012.2); c.74C>A, p.Ser25Ter (NM_001322015.2); short protein forms S128*, S22*, S25*.
Identifiers: ClinVar variation 480941 (VCV000480941.7), dbSNP rs116373169, ClinGen allele CA366744457.